The following is an entry in ClinVar:

NM_001105206.3(LAMA4):c.5206+70C>G

Gene: LAMA4 (laminin subunit alpha 4; minus strand). Cytogenetic location: 6q21.
Variant type: single nucleotide variant.
Coding change: c.5206+70C>G on transcript NM_001105206.3 (MANE Select); 70 bases into the intron after coding-DNA position 5206, C replaced by G.
Molecular consequence: intron variant.
Genome position (GRCh38, 1-based): chr6:112,114,593, G>C on the plus strand (C>G on the coding strand, the complement: LAMA4 is on the minus strand). VCF-style: chr6-112114593-G-C. GRCh37 (hg19) VCF-style: chr6-112435796-G-C.
Other names: c.5185+70C>G (NM_002290.5, NM_001105207.3).
Identifiers: ClinVar variation 672742 (VCV000672742.1), dbSNP rs6917142, ClinGen allele CA15467078.

ClinVar aggregate classification (germline): Benign (1 of 4 stars; one submission).

Allele frequency attached by ClinVar (database versions not stated): 1000 Genomes Project 30x 0.24047; 1000 Genomes Project 0.24081; gnomAD exomes 0.24726; gnomAD 0.25131 and 0.25290; TOPMed 0.25308.
gnomAD v4.1: 248,632 of 1,002,040 alleles (25%); highest among the groups gnomAD compares: East Asian, 31%; 32,000 homozygotes.

Submission:

GeneDx
Classification: Benign. Last evaluated: 2018-06-15. Review status: criteria provided, single submitter. Criteria: GeneDx Variant Classification (06012015). Collection method: clinical testing. Allele origin: germline. Affected: yes.
Comment: This variant is considered likely benign or benign based on one or more of the following criteria: it is a conservative change, it occurs at a poorly conserved position in the protein, it is predicted to be benign by multiple in silico algorithms, and/or has population frequency not consistent with disease.